The following is an entry in ClinVar:

NM_001032283.3(TMPO):c.565+1510A>T

Gene: TMPO (thymopoietin; plus strand). Cytogenetic location: 12q23.1.
Variant type: single nucleotide variant.
Coding change: c.565+1510A>T on transcript NM_001032283.3 (MANE Select); 1510 bases into the intron after coding-DNA position 565, A replaced by T.
Molecular consequence: intron variant. On other transcripts: missense variant (1).
Genome position (GRCh38, 1-based): chr12:98,533,348, A>T. VCF-style: chr12-98533348-A-T. GRCh37 (hg19) VCF-style: chr12-98927126-A-T.
Other names: c.1091A>T, p.Glu364Val (NM_003276.2); c.565+1510A>T (NM_001307975.2, NM_001032284.3); short protein forms E364V.
Identifiers: ClinVar variation 1789378 (VCV001789378.2), dbSNP rs2548503491, ClinGen allele CA386152462.

ClinVar aggregate classification (germline): Uncertain significance (1 of 4 stars; one submission).

Submission:

Ambry Genetics
Classification: Uncertain significance. Last evaluated: 2021-08-12. Review status: criteria provided, single submitter. Criteria: Ambry Variant Classification Scheme 2023. Collection method: clinical testing. Allele origin: germline.
Comment: The p.E364V variant (also known as c.1091A>T), located in coding exon 4 of the TMPO gene, results from an A to T substitution at nucleotide position 1091. The glutamic acid at codon 364 is replaced by valine, an amino acid with dissimilar properties. This amino acid position is conserved. In addition, this alteration is predicted to be tolerated by in silico analysis. Since supporting evidence is limited at this time, the clinical significance of this alteration remains unclear.